The following is an entry in ClinVar:

ClinVar aggregate classification (germline): Uncertain significance (1 of 4 stars; one submission).

Submission:

Dasa
Classification: Uncertain significance. Last evaluated: 2026-04-04. Review status: criteria provided, single submitter. Criteria: DASA Assertion Criteria. Collection method: clinical testing. Allele origin: germline.
Comment: NM_004329.3(BMPR1A):c.-153+1G>A affects a canonical splice site and is predicted to disrupt normal RNA splicing, leading to loss of normal protein function. Loss-of-function is an established mechanism of disease for this gene. Multiple computational predictions support a deleterious effect on the gene or gene product. The variant is present at low frequency in population datasets. Based on the available data, this variant is classified as variant of uncertain significance.

NM_004329.3(BMPR1A):c.-153+1G>A

Gene: BMPR1A (bone morphogenetic protein receptor type 1A; plus strand). Cytogenetic location: 10q23.2.
Variant type: single nucleotide variant.
Coding change: c.-153+1G>A on transcript NM_004329.3 (MANE Select); the canonical splice donor site of the intron after 153 bases upstream of the start codon, G replaced by A.
Molecular consequence: splice donor variant. On other transcripts: intron variant (4).
Genome position (GRCh38, 1-based): chr10:86,838,980, G>A. VCF-style: chr10-86838980-G-A. GRCh37 (hg19) VCF-style: chr10-88598737-G-A.
Other names: c.-258+1G>A (NM_001406562.1, NM_001406564.1, NM_001406572.1 and 2 more transcripts); c.-153+1G>A (NM_001406568.1, NM_001406566.1, NM_001406577.1 and 7 more transcripts); c.-152-36887G>A (NM_001406567.1, NM_001406570.1); c.-360+1G>A (NM_001406576.1); c.-357+1G>A (NM_001406575.1); c.-572+1G>A (NM_001406571.1); c.-550+1G>A (NM_001406563.1); c.-386+1G>A (NM_001406581.1); and 9 more.
Identifiers: ClinVar variation 4851904 (VCV004851904.1).
Genomic context (GRCh38, chr10:86,838,980, plus strand): 5'-ATAGGTCAAAGCTGTTTGGAGAAAATCAGAAGTACAGTTTTATCTAGCCACATCTTGGAG[G>A]TAAGGAAAAGAACATAATTTAGAATAATATGAAATTTCTCATTTTTTAATAGTTGAAAAT-3'